The following is an entry in ClinVar:

NM_020921.4(NIN):c.4785A>C (p.Glu1595Asp)

Gene: NIN (ninein; minus strand). Cytogenetic location: 14q22.1.
Variant type: single nucleotide variant.
Coding change: c.4785A>C on transcript NM_020921.4 (MANE Select); coding-DNA position 4785, A replaced by C.
Protein change: p.Glu1595Asp; replaces glutamic acid 1595 with aspartic acid.
Molecular consequence: missense variant.
Genome position (GRCh38, 1-based): chr14:50,752,683, T>G on the plus strand (A>C on the coding strand, the complement: NIN is on the minus strand). VCF-style: chr14-50752683-T-G. GRCh37 (hg19) VCF-style: chr14-51219401-T-G.
Other names: c.2646A>C, p.Glu882Asp (NM_016350.5); c.4785A>C, p.Glu1595Asp (NM_182944.3, NM_182946.2); short protein forms E1595D, E882D.
Identifiers: ClinVar variation 3727371 (VCV003727371.2).

ClinVar aggregate classification (germline): Uncertain significance (1 of 4 stars; one submission).

Submission:

Labcorp Genetics (formerly Invitae), Labcorp
Classification: Uncertain significance. Last evaluated: 2024-12-21. Review status: criteria provided, single submitter. Criteria: Invitae Variant Classification Sherloc (09022015). Collection method: clinical testing. Allele origin: germline.
Comment: This sequence change replaces glutamic acid, which is acidic and polar, with aspartic acid, which is acidic and polar, at codon 1595 of the NIN protein (p.Glu1595Asp). This variant is not present in population databases (gnomAD no frequency). This variant has not been reported in the literature in individuals affected with NIN-related conditions. An algorithm developed to predict the effect of missense changes on protein structure and function (PolyPhen-2) suggests that this variant is likely to be tolerated. In summary, the available evidence is currently insufficient to determine the role of this variant in disease. Therefore, it has been classified as a Variant of Uncertain Significance.